The following is an entry in ClinVar:

NM_001127208.3(TET2):c.3163A>G (p.Lys1055Glu)

Genes: TET2 (tet methylcytosine dioxygenase 2; plus strand), TET2-AS1 (TET2 antisense RNA 1; minus strand). Cytogenetic location: 4q24.
Variant type: single nucleotide variant.
Coding change: c.3163A>G on transcript NM_001127208.3 (MANE Select); coding-DNA position 3163, A replaced by G.
Protein change: p.Lys1055Glu; replaces lysine 1055 with glutamic acid.
Molecular consequence: missense variant.
Genome position (GRCh38, 1-based): chr4:105,237,105, A>G. VCF-style: chr4-105237105-A-G. GRCh37 (hg19) VCF-style: chr4-106158262-A-G.
Other names: c.3163A>G, p.Lys1055Glu (NM_017628.4); short protein forms K1055E.
Identifiers: ClinVar variation 2107434 (VCV002107434.5), dbSNP rs544164104, ClinGen allele CA3032029.

ClinVar aggregate classification (germline): Uncertain significance. Review status: criteria provided, multiple submitters, no conflicts (2 of 4 stars). 2 submissions from 2 submitters: Uncertain significance (2). Last evaluated 2025-03-26.

Allele frequency attached by ClinVar (database versions not stated): gnomAD exomes below 0.00001; TOPMed below 0.00001; ExAC 0.00001; 1000 Genomes Project 30x 0.00016; 1000 Genomes Project 0.00020.

Submissions (2):

Ambry Genetics
Classification: Uncertain significance. Last evaluated: 2025-03-26. Review status: criteria provided, single submitter. Criteria: Ambry Variant Classification Scheme 2023. Collection method: clinical testing. Allele origin: germline.
Comment: The p.K1055E variant (also known as c.3163A>G), located in coding exon 1 of the TET2 gene, results from an A to G substitution at nucleotide position 3163. The lysine at codon 1055 is replaced by glutamic acid, an amino acid with similar properties. This amino acid position is conserved. In addition, the in silico prediction for this alteration is inconclusive. Based on the available evidence, the clinical significance of this variant remains unclear.

Labcorp Genetics (formerly Invitae), Labcorp
Classification: Uncertain significance. Last evaluated: 2023-10-13. Review status: criteria provided, single submitter. Criteria: Invitae Variant Classification Sherloc (09022015). Collection method: clinical testing. Allele origin: germline.
Comment: This sequence change replaces lysine, which is basic and polar, with glutamic acid, which is acidic and polar, at codon 1055 of the TET2 protein (p.Lys1055Glu). This variant is present in population databases (rs544164104, gnomAD 0.007%). This variant has not been reported in the literature in individuals affected with TET2-related conditions. ClinVar contains an entry for this variant (Variation ID: 2107434). An algorithm developed to predict the effect of missense changes on protein structure and function (PolyPhen-2) suggests that this variant is likely to be disruptive. In summary, the available evidence is currently insufficient to determine the role of this variant in disease. Therefore, it has been classified as a Variant of Uncertain Significance.